The following is an entry in ClinVar:

NM_001374353.1(GLI2):c.109G>A (p.Val37Met)

Gene: GLI2 (GLI family zinc finger 2; plus strand). Cytogenetic location: 2q14.2.
Variant type: single nucleotide variant.
Coding change: c.109G>A on transcript NM_001374353.1 (MANE Select); coding-DNA position 109, G replaced by A.
Protein change: p.Val37Met; replaces valine 37 with methionine.
Molecular consequence: missense variant. On other transcripts: 5 prime UTR variant (1).
Genome position (GRCh38, 1-based): chr2:120,797,429, G>A. VCF-style: chr2-120797429-G-A. GRCh37 (hg19) VCF-style: chr2-121555005-G-A.
Other names: c.109G>A, p.Val37Met (NM_001371271.1, NM_005270.5); c.-161G>A (NM_001374354.1); c.109G>A (NM_005270.4); short protein forms V37M.
Identifiers: ClinVar variation 2950296 (VCV002950296.8), dbSNP rs768926635, ClinGen allele CA1851398.

ClinVar aggregate classification (germline): Conflicting classifications of pathogenicity. Review status: criteria provided, conflicting classifications (1 of 4 stars). 3 submissions from 3 submitters: Uncertain significance (2); Likely benign (1). Last evaluated 2026-03-01.

Conditions:
Inborn genetic diseases. Identifiers: MedGen C0950123, MeSH D030342.
Holoprosencephaly 9 (HPE9). Also called: PITUITARY ANOMALIES WITH HOLOPROSENCEPHALY-LIKE FEATURES; HOLOPROSENCEPHALY WITH MICROPHTHALMIA AND FIRST BRANCHIAL ARCH ANOMALIES. Identifiers: Orphanet 2162, MedGen C1835819, MONDO:0012563, OMIM 610829.
Postaxial polydactyly-anterior pituitary anomalies-facial dysmorphism syndrome. Also called: Culler-Jones syndrome. Identifiers: Orphanet 420584, MedGen C4014479, MONDO:0014369, OMIM 615849.

Allele frequency attached by ClinVar (database versions not stated): gnomAD 0.00001; TOPMed 0.00002; ExAC 0.00003; gnomAD exomes 0.00003.
gnomAD v4.1: 41 of 1,614,000 alleles (0.0025%); highest among the groups gnomAD compares: Middle Eastern, 0.033%; no homozygotes.

Submissions (3):

CeGaT Center for Human Genetics Tuebingen
Classification: Likely benign. Last evaluated: 2026-03-01. Review status: criteria provided, single submitter. Criteria: CeGaT Center For Human Genetics Tuebingen Variant Classification Criteria Version 2. Collection method: clinical testing. Allele origin: germline. Affected: yes. Observed: 1 variant allele.
Comment: GLI2: BP4

Ambry Genetics
Classification: Uncertain significance for Inborn genetic diseases. Last evaluated: 2024-12-27. Review status: criteria provided, single submitter. Criteria: Ambry Variant Classification Scheme 2023. Collection method: clinical testing. Allele origin: germline.

Labcorp Genetics (formerly Invitae), Labcorp
Classification: Uncertain significance for Postaxial polydactyly-anterior pituitary anomalies-facial dysmorphism syndrome; Holoprosencephaly 9. Last evaluated: 2023-12-25. Review status: criteria provided, single submitter. Criteria: Invitae Variant Classification Sherloc (09022015). Collection method: clinical testing. Allele origin: germline.
Comment: This sequence change replaces valine, which is neutral and non-polar, with methionine, which is neutral and non-polar, at codon 37 of the GLI2 protein (p.Val37Met). This variant is present in population databases (rs768926635, gnomAD 0.01%). This variant has not been reported in the literature in individuals affected with GLI2-related conditions. An algorithm developed to predict the effect of missense changes on protein structure and function (PolyPhen-2) suggests that this variant is likely to be disruptive. In summary, the available evidence is currently insufficient to determine the role of this variant in disease. Therefore, it has been classified as a Variant of Uncertain Significance.